The following is an entry in ClinVar:

ClinVar aggregate classification (germline): Uncertain significance (1 of 4 stars; one submission).

Conditions:
Donnai-Barrow syndrome. Also called: DBS/FOAR SYNDROME; FACIOOCULOACOUSTICORENAL SYNDROME. Identifiers: Orphanet 2143, MedGen C1857277, MONDO:0009104, OMIM 222448.

Allele frequency attached by ClinVar (database versions not stated): gnomAD exomes below 0.00001.
gnomAD v4.1: 2 of 1,613,906 alleles (0.00012%); highest among the groups gnomAD compares: Non-Finnish European, 0.00017%; no homozygotes.

Submission:

Cavalleri Lab, Royal College of Surgeons in Ireland
Classification: Uncertain significance for Donnai-Barrow syndrome. Last evaluated: 2019-12-11. Review status: criteria provided, single submitter. Criteria: ACMG Guidelines, 2015. Collection method: research. Allele origin: inherited. Inheritance: Autosomal recessive inheritance. Affected: yes.
Comment: ACMG evidence PM2, PP3

Literature cited by the submitters: PubMed 32238909.

NM_004525.3(LRP2):c.8546G>C (p.Gly2849Ala)

Gene: LRP2 (LDL receptor related protein 2; minus strand). Cytogenetic location: 2q31.1.
Variant type: single nucleotide variant.
Coding change: c.8546G>C on transcript NM_004525.3 (MANE Select); coding-DNA position 8546, G replaced by C.
Protein change: p.Gly2849Ala; replaces glycine 2849 with alanine.
Molecular consequence: missense variant.
Genome position (GRCh38, 1-based): chr2:169,198,818, C>G on the plus strand (G>C on the coding strand, the complement: LRP2 is on the minus strand). VCF-style: chr2-169198818-C-G. GRCh37 (hg19) VCF-style: chr2-170055328-C-G.
Other names: short protein forms G2849A.
Identifiers: ClinVar variation 812189 (VCV000812189.1), dbSNP rs1688090215, ClinGen allele CA349163672.